The following is an entry in ClinVar:

ClinVar aggregate classification (germline): Uncertain significance (1 of 4 stars; one submission).

Conditions:
Episodic ataxia type 2 (EA2). Also called: ACETAZOLAMIDE-RESPONSIVE HEREDITARY PAROXYSMAL CEREBELLAR ATAXIA; ATAXIA, EPISODIC, WITH NYSTAGMUS; ATAXIA, FAMILIAL PAROXYSMAL; CEREBELLAR ATAXIA, PAROXYSMAL, ACETAZOLAMIDE-RESPONSIVE; CEREBELLOPATHY, HEREDITARY PAROXYSMAL; EPISODIC ATAXIA, NYSTAGMUS-ASSOCIATED. Identifiers: Orphanet 97, MedGen C1720416, MONDO:0007163, OMIM 108500.
Developmental and epileptic encephalopathy, 42 (DEE42A). Also called: Epileptic encephalopathy, early infantile, 42; DEVELOPMENTAL AND EPILEPTIC ENCEPHALOPATHY 42A; EPILEPTIC ENCEPHALOPATHY, EARLY INFANTILE, 42A. Identifiers: MedGen C4310716, MONDO:0014917, OMIM 617106.

Submission:

Labcorp Genetics (formerly Invitae), Labcorp
Classification: Uncertain significance for Developmental and epileptic encephalopathy, 42; Episodic ataxia type 2. Last evaluated: 2025-03-23. Review status: criteria provided, single submitter. Criteria: Invitae Variant Classification Sherloc (09022015). Collection method: clinical testing. Allele origin: germline.
Comment: This sequence change replaces proline, which is neutral and non-polar, with alanine, which is neutral and non-polar, at codon 1196 of the CACNA1A protein (p.Pro1196Ala). This variant is not present in population databases (gnomAD no frequency). This variant has not been reported in the literature in individuals affected with CACNA1A-related conditions. Invitae Evidence Modeling of protein sequence and biophysical properties (such as structural, functional, and spatial information, amino acid conservation, physicochemical variation, residue mobility, and thermodynamic stability) indicates that this missense variant is not expected to disrupt CACNA1A protein function with a negative predictive value of 95%. In summary, the available evidence is currently insufficient to determine the role of this variant in disease. Therefore, it has been classified as a Variant of Uncertain Significance.

NM_001127222.2(CACNA1A):c.3583C>G (p.Pro1195Ala)

Gene: CACNA1A (calcium voltage-gated channel subunit alpha1 A; minus strand). Cytogenetic location: 19p13.13.
Variant type: single nucleotide variant.
Coding change: c.3583C>G on transcript NM_001127222.2 (MANE Select); coding-DNA position 3583, C replaced by G.
Protein change: p.Pro1195Ala; replaces proline 1195 with alanine.
Molecular consequence: missense variant.
Genome position (GRCh38, 1-based): chr19:13,285,177, G>C on the plus strand (C>G on the coding strand, the complement: CACNA1A is on the minus strand). VCF-style: chr19-13285177-G-C. GRCh37 (hg19) VCF-style: chr19-13395991-G-C.
Other names: c.3595C>G, p.Pro1199Ala (NM_000068.4, NM_023035.3); c.3586C>G, p.Pro1196Ala (NM_001127221.2, NM_001174080.2); short protein forms P1195A, P1199A, P1196A.
Identifiers: ClinVar variation 4789726 (VCV004789726.1).